The following is an entry in ClinVar:

ClinVar aggregate classification (germline): Uncertain significance. Review status: criteria provided, multiple submitters, no conflicts (2 of 4 stars). 3 submissions from 3 submitters: Uncertain significance (3). Last evaluated 2026-01-09.

Conditions:
Colorectal cancer, susceptibility to, 12 (CRCS12). Also called: COLORECTAL CANCER, SUSCEPTIBILITY TO, ON CHROMOSOME 12q24. Identifiers: Orphanet 220460, MedGen C3554460, MONDO:0014038, OMIM 615083.
Hereditary cancer-predisposing syndrome. Also called: Tumor predisposition; Hereditary Cancer Syndrome; Neoplastic Syndromes, Hereditary; Hereditary neoplastic syndrome. Identifiers: Orphanet 140162, MedGen C0027672, MeSH D009386, MONDO:0015356.

gnomAD v4.1: 4 of 1,611,126 alleles (0.00025%); highest among the groups gnomAD compares: Admixed American, 0.0017%; no homozygotes.

Submissions (3):

Ambry Genetics
Classification: Uncertain significance for Hereditary cancer-predisposing syndrome. Last evaluated: 2026-01-09. Review status: criteria provided, single submitter. Criteria: Ambry Variant Classification Scheme 2023. Collection method: clinical testing. Allele origin: germline.
Comment: The p.L306F variant (also known as c.916C>T), located in coding exon 10 of the POLE gene, results from a C to T substitution at nucleotide position 916. The leucine at codon 306 is replaced by phenylalanine, an amino acid with highly similar properties. This amino acid position is highly conserved in available vertebrate species. In addition, the in silico prediction for this alteration is inconclusive. Based on the available evidence, the clinical significance of this variant remains unclear.

Labcorp Genetics (formerly Invitae), Labcorp
Classification: Uncertain significance. Last evaluated: 2024-11-28. Review status: criteria provided, single submitter. Criteria: Invitae Variant Classification Sherloc (09022015). Collection method: clinical testing. Allele origin: germline.
Comment: This sequence change replaces leucine, which is neutral and non-polar, with phenylalanine, which is neutral and non-polar, at codon 306 of the POLE protein (p.Leu306Phe). This variant is not present in population databases (gnomAD no frequency). This variant has not been reported in the literature in individuals affected with POLE-related conditions. ClinVar contains an entry for this variant (Variation ID: 484515). Invitae Evidence Modeling of protein sequence and biophysical properties (such as structural, functional, and spatial information, amino acid conservation, physicochemical variation, residue mobility, and thermodynamic stability) indicates that this missense variant is expected to disrupt POLE protein function with a positive predictive value of 80%. In summary, the available evidence is currently insufficient to determine the role of this variant in disease. Therefore, it has been classified as a Variant of Uncertain Significance.

Baylor Genetics
Classification: Uncertain significance for Colorectal cancer, susceptibility to, 12. Last evaluated: 2023-10-05. Review status: criteria provided, single submitter. Criteria: ACMG Guidelines, 2015. Collection method: clinical testing. Allele origin: unknown.

NM_006231.4(POLE):c.916C>T (p.Leu306Phe)

Gene: POLE (DNA polymerase epsilon, catalytic subunit; minus strand). Cytogenetic location: 12q24.33.
Variant type: single nucleotide variant.
Coding change: c.916C>T on transcript NM_006231.4 (MANE Select); coding-DNA position 916, C replaced by T.
Protein change: p.Leu306Phe; replaces leucine 306 with phenylalanine.
Molecular consequence: missense variant.
Genome position (GRCh38, 1-based): chr12:132,676,198, G>A on the plus strand (C>T on the coding strand, the complement: POLE is on the minus strand). VCF-style: chr12-132676198-G-A. GRCh37 (hg19) VCF-style: chr12-133252784-G-A.
Other names: short protein forms L306F.
Identifiers: ClinVar variation 484515 (VCV000484515.17), dbSNP rs1343048638, ClinGen allele CA387363980.